The following is an entry in ClinVar:

NM_001470.4(GABBR1):c.2109+6C>A

Gene: GABBR1 (gamma-aminobutyric acid type B receptor subunit 1; minus strand). Cytogenetic location: 6p22.1.
Variant type: single nucleotide variant.
Coding change: c.2109+6C>A on transcript NM_001470.4 (MANE Select); 6 bases into the intron after coding-DNA position 2109, C replaced by A.
Molecular consequence: intron variant.
Genome position (GRCh38, 1-based): chr6:29,607,096, G>T on the plus strand (C>A on the coding strand, the complement: GABBR1 is on the minus strand). VCF-style: chr6-29607096-G-T. GRCh37 (hg19) VCF-style: chr6-29574873-G-T.
Other names: c.1923+6C>A (NM_021904.4); c.1578+6C>A (NM_001319053.2); c.1758+6C>A (NM_021903.3).
Identifiers: ClinVar variation 4884951 (VCV004884951.2).

ClinVar aggregate classification (germline): Uncertain significance (1 of 4 stars; one submission).

Submission:

Dasa
Classification: Uncertain significance. Last evaluated: 2024-12-19. Review status: criteria provided, single submitter. Criteria: DASA Assertion Criteria. Collection method: clinical testing. Allele origin: germline.
Comment: NM_001470.4(GABBR1):c.2109+6C>A is a splice-region variant. This variant is absent from population databases. Computational prediction algorithms are consistent with a benign effect. The currently available literature and clinical evidence are not sufficient to establish a definitive association between this variant and the reported condition. Therefore, this variant is classified as a variant of uncertain significance.